The following is an entry in ClinVar:

ClinVar aggregate classification (germline): Uncertain significance (1 of 4 stars; one submission).

Submission:

GeneDx
Classification: Uncertain significance. Last evaluated: 2023-12-07. Review status: criteria provided, single submitter. Criteria: GeneDx Variant Classification Process June 2021. Collection method: clinical testing. Allele origin: germline. Affected: yes.
Comment: Not observed at significant frequency in large population cohorts (gnomAD); In silico analysis supports that this missense variant has a deleterious effect on protein structure/function; Has not been previously published as pathogenic or benign to our knowledge

NM_014271.4(IL1RAPL1):c.355G>T (p.Val119Phe)

Gene: IL1RAPL1 (interleukin 1 receptor accessory protein like 1; plus strand). Cytogenetic location: Xp21.3.
Variant type: single nucleotide variant.
Coding change: c.355G>T on transcript NM_014271.4 (MANE Select); coding-DNA position 355, G replaced by T.
Protein change: p.Val119Phe; replaces valine 119 with phenylalanine.
Molecular consequence: missense variant.
Genome position (GRCh38, 1-based): chrX:29,283,210, G>T. VCF-style: chrX-29283210-G-T. GRCh37 (hg19) VCF-style: chrX-29301327-G-T.
Other names: short protein forms V119F.
Identifiers: ClinVar variation 3252344 (VCV003252344.1), dbSNP rs2518997867.